The following is an entry in ClinVar:

NM_015378.4(VPS13D):c.9401C>T (p.Ser3134Phe)

Gene: VPS13D (vacuolar protein sorting 13 homolog D; plus strand). Cytogenetic location: 1p36.22.
Variant type: single nucleotide variant.
Coding change: c.9401C>T on transcript NM_015378.4 (MANE Select); coding-DNA position 9401, C replaced by T.
Protein change: p.Ser3134Phe; replaces serine 3134 with phenylalanine.
Molecular consequence: missense variant.
Genome position (GRCh38, 1-based): chr1:12,349,344, C>T. VCF-style: chr1-12349344-C-T. GRCh37 (hg19) VCF-style: chr1-12409401-C-T.
Other names: c.9326C>T, p.Ser3109Phe (NM_018156.4); short protein forms S3109F, S3134F.
Identifiers: ClinVar variation 2801577 (VCV002801577.3), dbSNP rs1336175986, ClinGen allele CA338492712.

ClinVar aggregate classification (germline): Uncertain significance (1 of 4 stars; one submission).

Allele frequency attached by ClinVar (database versions not stated): gnomAD 0.00001.
gnomAD v4.1: 2 of 1,613,878 alleles (0.00012%); highest among the groups gnomAD compares: Admixed American, 0.0017%; no homozygotes.

Submission:

Labcorp Genetics (formerly Invitae), Labcorp
Classification: Uncertain significance. Last evaluated: 2022-10-21. Review status: criteria provided, single submitter. Criteria: Invitae Variant Classification Sherloc (09022015). Collection method: clinical testing. Allele origin: germline.
Comment: This sequence change replaces serine, which is neutral and polar, with phenylalanine, which is neutral and non-polar, at codon 3134 of the VPS13D protein (p.Ser3134Phe). This variant is not present in population databases (gnomAD no frequency). This variant has not been reported in the literature in individuals affected with VPS13D-related conditions. Advanced modeling of protein sequence and biophysical properties (such as structural, functional, and spatial information, amino acid conservation, physicochemical variation, residue mobility, and thermodynamic stability) performed at Invitae indicates that this missense variant is expected to disrupt VPS13D protein function. In summary, the available evidence is currently insufficient to determine the role of this variant in disease. Therefore, it has been classified as a Variant of Uncertain Significance.